The following is an entry in ClinVar:

NM_001005242.3(PKP2):c.16G>A (p.Ala6Thr)

Gene: PKP2 (plakophilin 2; minus strand). Cytogenetic location: 12p11.21.
Variant type: single nucleotide variant.
Coding change: c.16G>A on transcript NM_001005242.3 (MANE Select); coding-DNA position 16, G replaced by A.
Protein change: p.Ala6Thr; replaces alanine 6 with threonine.
Molecular consequence: missense variant.
Genome position (GRCh38, 1-based): chr12:32,896,716, C>T on the plus strand (G>A on the coding strand, the complement: PKP2 is on the minus strand). VCF-style: chr12-32896716-C-T. GRCh37 (hg19) VCF-style: chr12-33049650-C-T.
Other names: c.16G>A, p.Ala6Thr (NM_001407155.1, NM_001407156.1, NM_001407157.1 and 2 more transcripts); c.-811G>A (NM_001407158.1, NM_001407162.1); c.-575G>A (NM_001407159.1, NM_001407160.1); short protein forms A6T.
Identifiers: ClinVar variation 1778329 (VCV001778329.3), dbSNP rs1190256335, ClinGen allele CA384371791.

ClinVar aggregate classification (germline): Uncertain significance. Review status: criteria provided, multiple submitters, no conflicts (2 of 4 stars). 2 submissions from 2 submitters: Uncertain significance (2). Last evaluated 2024-09-11.

Conditions:
Cardiovascular phenotype. Identifiers: MedGen CN230736.
Arrhythmogenic right ventricular cardiomyopathy (ARVD). Also called: Cardiomyopathy, ARVC; Arrhythmogenic right ventricular dysplasia; Arrhythmogenic cardiomyopathy; Arrhythmogenic Right Ventricular Cardiomyopathy (ARVC). Identifiers: Orphanet 247, MedGen C0349788, MeSH D019571, MONDO:0016587. Disease mechanism: loss of function. Inheritance: Various modes of inheritance.

Allele frequency attached by ClinVar (database versions not stated): gnomAD exomes below 0.00001; TOPMed below 0.00001; gnomAD 0.00001.
gnomAD v4.1: 3 of 1,470,362 alleles (0.0002%); highest among the groups gnomAD compares: Non-Finnish European, 0.00027%; no homozygotes.

Submissions (2):

All of Us Research Program, National Institutes of Health
Classification: Uncertain significance for Arrhythmogenic right ventricular cardiomyopathy. Last evaluated: 2024-09-11. Review status: criteria provided, single submitter. Criteria: ACMG Guidelines, 2015. Collection method: clinical testing. Allele origin: germline. Inheritance: Autosomal dominant inheritance. Observed: 1 variant allele, 1 heterozygote.
Comment: This study involves interpretation of variants in research participants for the purpose of population health screening. Participant phenotype was not available at the time of variant classification. Additional details can be found in publication PMID: 35346344, PMCID: PMC8962531

Ambry Genetics
Classification: Uncertain significance for Cardiovascular phenotype. Last evaluated: 2020-10-07. Review status: criteria provided, single submitter. Criteria: Ambry Variant Classification Scheme 2023. Collection method: clinical testing. Allele origin: germline.
Comment: The p.A6T variant (also known as c.16G>A), located in coding exon 1 of the PKP2 gene, results from a G to A substitution at nucleotide position 16. The alanine at codon 6 is replaced by threonine, an amino acid with similar properties. This amino acid position is poorly conserved in available vertebrate species. In addition, this alteration is predicted to be tolerated by in silico analysis. Since supporting evidence is limited at this time, the clinical significance of this alteration remains unclear.